The following is an entry in ClinVar:

ClinVar aggregate classification (germline): Uncertain significance (1 of 4 stars; one submission).

Conditions:
Werner syndrome (WRN). Identifiers: Orphanet 902, MedGen C0043119, MONDO:0010196, OMIM 277700.

Allele frequency attached by ClinVar (database versions not stated): gnomAD exomes below 0.00001 and 0.00001; ExAC 0.00001; gnomAD 0.00002; TOPMed 0.00002.

Submission:

Labcorp Genetics (formerly Invitae), Labcorp
Classification: Uncertain significance for Werner syndrome. Last evaluated: 2025-07-31. Review status: criteria provided, single submitter. Criteria: Invitae Variant Classification Sherloc (09022015). Collection method: clinical testing. Allele origin: germline.
Comment: This sequence change replaces methionine, which is neutral and non-polar, with threonine, which is neutral and polar, at codon 117 of the WRN protein (p.Met117Thr). This variant is present in population databases (rs772108759, gnomAD 0.0009%). This variant has not been reported in the literature in individuals affected with WRN-related conditions. ClinVar contains an entry for this variant (Variation ID: 404056). An algorithm developed to predict the effect of missense changes on protein structure and function (PolyPhen-2) suggests that this variant is likely to be disruptive. In summary, the available evidence is currently insufficient to determine the role of this variant in disease. Therefore, it has been classified as a Variant of Uncertain Significance.

NM_000553.6(WRN):c.350T>C (p.Met117Thr)

Gene: WRN (WRN RecQ like helicase; plus strand). Cytogenetic location: 8p12.
Variant type: single nucleotide variant.
Coding change: c.350T>C on transcript NM_000553.6 (MANE Select); coding-DNA position 350, T replaced by C.
Protein change: p.Met117Thr; replaces methionine 117 with threonine.
Molecular consequence: missense variant.
Genome position (GRCh38, 1-based): chr8:31,064,429, T>C. VCF-style: chr8-31064429-T-C. GRCh37 (hg19) VCF-style: chr8-30921945-T-C.
Other names: short protein forms M117T.
Identifiers: ClinVar variation 404056 (VCV000404056.7), dbSNP rs772108759, ClinGen allele CA4704037.